The following is an entry in ClinVar:

ClinVar aggregate classification (germline): Likely pathogenic (1 of 4 stars; one submission).

Conditions:
SLC12A2-related disorder. Also called: SLC12A2-related condition; SLC12A2-related disorders.

Submission:

Institute of Rare Diseases, West China Hospital, Sichuan University
Classification: Likely pathogenic for SLC12A2-related disorder. Last evaluated: 2025-01-09. Review status: criteria provided, single submitter. Criteria: ClinGen HL ACMG Specifications v1. Collection method: research. Allele origin: germline. Affected: yes.
Comment: PVS1;PM2_Supporting

NM_001046.3(SLC12A2):c.1881+2T>C

Gene: SLC12A2 (solute carrier family 12 member 2; plus strand). Cytogenetic location: 5q23.3.
Variant type: single nucleotide variant.
Coding change: c.1881+2T>C on transcript NM_001046.3 (MANE Select); the canonical splice donor site of the intron after coding-DNA position 1881, T replaced by C.
Molecular consequence: splice donor variant.
Genome position (GRCh38, 1-based): chr5:128,147,731, T>C. VCF-style: chr5-128147731-T-C. GRCh37 (hg19) VCF-style: chr5-127483423-T-C.
Other names: c.1881+2T>C (NM_001256461.2).
Identifiers: ClinVar variation 3601712 (VCV003601712.2).
Genomic context (GRCh38, chr5:128,147,731, plus strand): 5'-TTTCAGCCACTCTTTCTTCAGCATTAGCATCCCTAGTGAGTGCTCCCAAAATATTTCAGG[T>C]AAGTGTTTTTATATTACAGGCTTTATTAAAGGGAGAGTTAAAGTAATACTTCTCAATTTA-3'